The following is an entry in ClinVar:

ClinVar aggregate classification (germline): Uncertain significance. Review status: criteria provided, multiple submitters, no conflicts (2 of 4 stars). 2 submissions from 2 submitters: Uncertain significance (2). Last evaluated 2025-04-13.

Conditions:
Cardiomyopathy (CMYO). Also called: Cardiomyopathies. Identifiers: Orphanet 167848, MedGen C0878544, MONDO:0004994, HP:0001638. Inheritance: Various modes of inheritance.
Hypertrophic cardiomyopathy 10. Also called: MYL2-Related Familial Hypertrophic Cardiomyopathy; CARDIOMYOPATHY, HYPERTROPHIC, MID-LEFT VENTRICULAR CHAMBER TYPE, 2. Identifiers: MedGen C1834460, MONDO:0012112, OMIM 608758.

Allele frequency attached by ClinVar (database versions not stated): gnomAD 0.00001; gnomAD exomes 0.00001 and below 0.00001; ExAC 0.00001.
gnomAD v4.1: 5 of 1,613,824 alleles (0.00031%); highest among the groups gnomAD compares: East Asian, 0.0022%; no homozygotes.

Submissions (2):

Labcorp Genetics (formerly Invitae), Labcorp
Classification: Uncertain significance for Hypertrophic cardiomyopathy 10. Last evaluated: 2025-04-13. Review status: criteria provided, single submitter. Criteria: Invitae Variant Classification Sherloc (09022015). Collection method: clinical testing. Allele origin: germline.
Comment: This sequence change replaces methionine, which is neutral and non-polar, with valine, which is neutral and non-polar, at codon 20 of the MYL2 protein (p.Met20Val). This variant is present in population databases (rs199474816, gnomAD 0.003%). This variant has not been reported in the literature in individuals affected with MYL2-related conditions. ClinVar contains an entry for this variant (Variation ID: 919723). An algorithm developed to predict the effect of missense changes on protein structure and function (PolyPhen-2) suggests that this variant is likely to be tolerated. In summary, the available evidence is currently insufficient to determine the role of this variant in disease. Therefore, it has been classified as a Variant of Uncertain Significance.

Color Diagnostics, LLC DBA Color Health
Classification: Uncertain significance for Cardiomyopathy. Last evaluated: 2024-03-06. Review status: criteria provided, single submitter. Criteria: ACMG Guidelines, 2015. Collection method: clinical testing. Allele origin: germline.
Comment: This missense variant replaces methionine with valine at codon 20 of the MYL2 protein. Computational prediction is inconclusive regarding the impact of this variant on protein structure and function (internally defined REVEL score threshold 0.5 < inconclusive < 0.7, PMID: 27666373). Splice site prediction tools suggest that this variant may not impact RNA splicing. To our knowledge, functional studies have not been performed for this variant. This variant has not been reported in individuals affected with cardiovascular disorders in the literature. This variant has been identified in 1/251468 chromosomes in the general population by the Genome Aggregation Database (gnomAD). The available evidence is insufficient to determine the role of this variant in disease conclusively. Therefore, this variant is classified as a Variant of Uncertain Significance.

NM_000432.4(MYL2):c.58A>G (p.Met20Val)

Genes: MYL2 (myosin light chain 2; minus strand), LOC114827850 (VISTA enhancer hs2149; plus strand). Cytogenetic location: 12q24.11.
Variant type: single nucleotide variant.
Coding change: c.58A>G on transcript NM_000432.4 (MANE Select); coding-DNA position 58, A replaced by G.
Protein change: p.Met20Val; replaces methionine 20 with valine.
Molecular consequence: missense variant.
Genome position (GRCh38, 1-based): chr12:110,919,139, T>C on the plus strand (A>G on the coding strand, the complement: MYL2 is on the minus strand). VCF-style: chr12-110919139-T-C. GRCh37 (hg19) VCF-style: chr12-111356943-T-C.
Other names: short protein forms M20V.
Identifiers: ClinVar variation 919723 (VCV000919723.7), dbSNP rs199474816, ClinGen allele CA043462.